The following is an entry in ClinVar:

ClinVar aggregate classification (germline): Uncertain significance (1 of 4 stars; one submission).

Conditions:
Hereditary sensory and autonomic neuropathy type 6. Also called: HSAN VI; Neuropathy, hereditary sensory and autonomic, type VI. Identifiers: Orphanet 314381, MedGen C3539003, MONDO:0013839, OMIM 614653.
Epidermolysis bullosa simplex 3, localized or generalized intermediate, with BP230 deficiency (EBS3). Also called: Epidermolysis bullosa simplex due to BP230 deficiency; Epidermolysis bullosa simplex, autosomal recessive 2. Identifiers: Orphanet 412181, MedGen C3809470, MONDO:0014180, OMIM 615425.

Allele frequency attached by ClinVar (database versions not stated): gnomAD exomes 0.00001; gnomAD 0.00002; TOPMed 0.00005; ESP Exome Variant Server 0.00008.
gnomAD v4.1: 13 of 1,599,228 alleles (0.00081%); highest among the groups gnomAD compares: African/African-American, 0.004%; no homozygotes.

Submission:

Labcorp Genetics (formerly Invitae), Labcorp
Classification: Uncertain significance for Epidermolysis bullosa simplex 3, localized or generalized intermediate, with BP230 deficiency; Hereditary sensory and autonomic neuropathy type 6. Last evaluated: 2022-07-20. Review status: criteria provided, single submitter. Criteria: Invitae Variant Classification Sherloc (09022015). Collection method: clinical testing. Allele origin: germline.
Comment: The DST gene has multiple clinically relevant transcripts. This variant occurs in alternate transcript NM_015548.4, and corresponds to NM_001723.5: c.*144296C>T in the primary transcript. This sequence change affects codon 4779 of the DST mRNA. It is a 'silent' change, meaning that it does not change the encoded amino acid sequence of the DST protein. The frequency data for this variant in the population databases is considered unreliable, as metrics indicate poor data quality at this position in the gnomAD database. This variant has not been reported in the literature in individuals affected with DST-related conditions. Experimental studies and prediction algorithms are not available or were not evaluated, and the effect of this variant on mRNA splicing is currently unknown. In summary, the available evidence is currently insufficient to determine the role of this variant in disease. Therefore, it has been classified as a Variant of Uncertain Significance.

NM_001374736.1(DST):c.22206C>T (p.Tyr7402=)

Gene: DST (dystonin; minus strand). Cytogenetic location: 6p12.1.
Variant type: single nucleotide variant.
Coding change: c.22206C>T on transcript NM_001374736.1 (MANE Select); coding-DNA position 22206, C replaced by T.
Protein change: p.Tyr7402=; no amino-acid change (tyrosine 7402 retained).
Molecular consequence: synonymous variant.
Genome position (GRCh38, 1-based): chr6:56,471,221, G>A on the plus strand (C>T on the coding strand, the complement: DST is on the minus strand). VCF-style: chr6-56471221-G-A. GRCh37 (hg19) VCF-style: chr6-56336019-G-A.
Other names: c.15849C>T, p.Tyr5283= (NM_001144769.5); c.15435C>T, p.Tyr5145= (NM_001144770.2); c.22206C>T, p.Tyr7402= (NM_001374722.1); c.21246C>T, p.Tyr7082= (NM_001374729.1); c.14988C>T, p.Tyr4996= (NM_001374730.1); c.22233C>T, p.Tyr7411= (NM_001374734.1); c.15315C>T, p.Tyr5105= (NM_001386100.1, NM_183380.4); c.14337C>T, p.Tyr4779= (NM_015548.5).
Identifiers: ClinVar variation 2151535 (VCV002151535.1), dbSNP rs368918310, ClinGen allele CA139169208.